The following is an entry in ClinVar:

ClinVar aggregate classification (germline): Uncertain significance (1 of 4 stars; one submission).

Conditions:
Deficiency of alpha-mannosidase (MANSA). Also called: LYSOSOMAL ALPHA-D-MANNOSIDASE DEFICIENCY; Mannosidosis, alpha-, types I and II; Alpha-Mannosidosis. Identifiers: Orphanet 61, MedGen C0024748, MONDO:0009561, OMIM 248500.

gnomAD v4.1: 1 of 1,614,170 alleles (0.000062%); highest among the groups gnomAD compares: Non-Finnish European, 0.000085%; no homozygotes.

Submission:

Myriad Genetics, Inc.
Classification: Uncertain significance for Deficiency of alpha-mannosidase. Last evaluated: 2026-08-19. Review status: criteria provided, single submitter. Criteria: Myriad Autosomal Dominant, Autosomal Recessive and X-Linked Classification Criteria (2023). Collection method: clinical testing. Allele origin: unknown.
Comment: NM_000528.3(MAN2B1):c.1183C>T(R395W) is a missense variant classified as a variant of uncertain significance in the context of alpha-mannosidosis. R395W has been observed in a case with relevant disease (PMID: 36849760). Relevant functional assessments of this variant are not available in the literature. R395W has not been observed in referenced population frequency databases. In summary, there is insufficient evidence to classify NM_000528.3(MAN2B1):c.1183C>T(R395W) as pathogenic or benign. Please note: this variant was assessed in the context of healthy population screening.

Literature cited by the submitters: PubMed 36849760.

NM_000528.4(MAN2B1):c.1183C>T (p.Arg395Trp)

Gene: MAN2B1 (mannosidase alpha class 2B member 1; minus strand). Cytogenetic location: 19p13.13.
Variant type: single nucleotide variant.
Coding change: c.1183C>T on transcript NM_000528.4 (MANE Select); coding-DNA position 1183, C replaced by T.
Protein change: p.Arg395Trp; replaces arginine 395 with tryptophan.
Molecular consequence: missense variant.
Genome position (GRCh38, 1-based): chr19:12,658,271, G>A on the plus strand (C>T on the coding strand, the complement: MAN2B1 is on the minus strand). VCF-style: chr19-12658271-G-A. GRCh37 (hg19) VCF-style: chr19-12769085-G-A.
Other names: c.1180C>T, p.Arg394Trp (NM_001173498.2); c.1186C>T, p.Arg396Trp (NM_001440570.1); short protein forms R394W, R395W, R396W.
Identifiers: ClinVar variation 5003519 (VCV005003519.1).